The following is an entry in ClinVar:

ClinVar aggregate classification (germline): Conflicting classifications of pathogenicity. Review status: criteria provided, conflicting classifications (1 of 4 stars). 2 submissions from 2 submitters: Pathogenic (1); Uncertain significance (1). Last evaluated 2026-03-17.

Conditions:
Hereditary cancer-predisposing syndrome. Also called: Hereditary Cancer Syndrome; Hereditary neoplastic syndrome; Neoplastic Syndromes, Hereditary; Tumor predisposition. Identifiers: Orphanet 140162, MedGen C0027672, MeSH D009386, MONDO:0015356.

Submissions (2):

Ambry Genetics
Classification: Uncertain significance for Hereditary cancer-predisposing syndrome. Last evaluated: 2026-03-17. Review status: criteria provided, single submitter. Criteria: Ambry Variant Classification Scheme 2023. Collection method: clinical testing. Allele origin: germline.
Comment: The c.1054delC variant, located in coding exon 11 of the POLE gene, results from a deletion of one nucleotide at nucleotide position 1054, causing a translational frameshift with a predicted alternate stop codon (p.Q352Rfs*30). This alteration is expected to result in loss of function by premature protein truncation or nonsense-mediated mRNA decay. Although biallelic loss of function of POLE has been associated with autosomal recessive POLE deficiency, haploinsufficiency of POLE has not been established as a mechanism of disease for POLE-related polymerase proofreading-associated polyposis (PPAP) and POLE-related CMMRD-like syndrome. Based on the supporting evidence, this variant is expected to be causative of POLE deficiency when present along with a second pathogenic variant on the other allele; however, its clinical significance for PPAP and POLE-related CMMRD-like syndrome is unclear.

Labcorp Genetics (formerly Invitae), Labcorp
Classification: Pathogenic. Last evaluated: 2024-08-14. Review status: criteria provided, single submitter. Criteria: Invitae Variant Classification Sherloc (09022015). Collection method: clinical testing. Allele origin: germline.
Comment: This sequence change creates a premature translational stop signal (p.Gln352Argfs*30) in the POLE gene. It is expected to result in an absent or disrupted protein product. Loss-of-function variants in POLE are known to be pathogenic (PMID: 23230001, 25948378, 30503519). This variant is not present in population databases (gnomAD no frequency). This variant has not been reported in the literature in individuals affected with POLE-related conditions. Algorithms developed to predict the effect of sequence changes on RNA splicing suggest that this variant may disrupt the consensus splice site. For these reasons, this variant has been classified as Pathogenic.

Literature cited by the submitters: PubMed 23230001 (cited by Labcorp Genetics (formerly Invitae), Labcorp); PubMed 25948378 (cited by Labcorp Genetics (formerly Invitae), Labcorp); PubMed 30503519 (cited by Labcorp Genetics (formerly Invitae), Labcorp).

NM_006231.4(POLE):c.1054del (p.Gln352fs)

Gene: POLE (DNA polymerase epsilon, catalytic subunit; minus strand). Cytogenetic location: 12q24.33.
Variant type: Deletion.
Coding change: c.1054del on transcript NM_006231.4 (MANE Select); coding-DNA position 1054, one base deleted (C; older notation c.1054delC).
Protein change: p.Gln352fs; shifts the reading frame from glutamine 352.
Molecular consequence: frameshift variant.
Genome position (GRCh38, 1-based): chr12:132,675,787, G deleted on the plus strand (C on the coding strand, the reverse complement: POLE is on the minus strand); the first of 2 consecutive G bases (chr12:132,675,787-132,675,788); deleting either gives the same sequence. VCF-style (leftmost placement, unchanged base first): chr12-132675786-TG-T. GRCh37 (hg19) VCF-style: chr12-133252372-TG-T.
Other names: c.1054delC (NM_006231.2); short protein forms Q352fs.
Identifiers: ClinVar variation 3693147 (VCV003693147.3).
Genomic context (GRCh38, chr12:132,675,786, plus strand): 5'-CAGACTCACCAGTCAAAAAAGTCCCCGTTGTAGGTGACCATGATGGTGGGTTTGGTCTCC[TG>T]GACGTGTTCAAACCACCTTTGGATCAGATGAGCCTGAACCCAAGTCACAGCAGTCAGAGG-3'